The following is an entry in ClinVar:

ClinVar aggregate classification (germline): Uncertain significance (1 of 4 stars; one submission).

gnomAD v4.1: 3 of 1,609,260 alleles (0.00019%); highest among the groups gnomAD compares: Non-Finnish European, 0.00025%; no homozygotes.

Submission:

Labcorp Genetics (formerly Invitae), Labcorp
Classification: Uncertain significance. Last evaluated: 2024-08-27. Review status: criteria provided, single submitter. Criteria: Invitae Variant Classification Sherloc (09022015). Collection method: clinical testing. Allele origin: germline.
Comment: This sequence change replaces arginine, which is basic and polar, with leucine, which is neutral and non-polar, at codon 1127 of the STAG1 protein (p.Arg1127Leu). This variant is not present in population databases (gnomAD no frequency). This variant has not been reported in the literature in individuals affected with STAG1-related conditions. Invitae Evidence Modeling of protein sequence and biophysical properties (such as structural, functional, and spatial information, amino acid conservation, physicochemical variation, residue mobility, and thermodynamic stability) indicates that this missense variant is not expected to disrupt STAG1 protein function with a negative predictive value of 95%. In summary, the available evidence is currently insufficient to determine the role of this variant in disease. Therefore, it has been classified as a Variant of Uncertain Significance.

NM_005862.3(STAG1):c.3380G>T (p.Arg1127Leu)

Gene: STAG1 (STAG1 cohesin complex component; minus strand). Cytogenetic location: 3q22.3.
Variant type: single nucleotide variant.
Coding change: c.3380G>T on transcript NM_005862.3 (MANE Select); coding-DNA position 3380, G replaced by T.
Protein change: p.Arg1127Leu; replaces arginine 1127 with leucine.
Molecular consequence: missense variant.
Genome position (GRCh38, 1-based): chr3:136,343,898, C>A on the plus strand (G>T on the coding strand, the complement: STAG1 is on the minus strand). VCF-style: chr3-136343898-C-A. GRCh37 (hg19) VCF-style: chr3-136062740-C-A.
Other names: short protein forms R1127L.
Identifiers: ClinVar variation 3635794 (VCV003635794.2).